The following is an entry in ClinVar:

NM_003190.5(TAPBP):c.1281C>T (p.Phe427=)

Gene: TAPBP (TAP binding protein; minus strand). Cytogenetic location: 6p21.32.
Variant type: single nucleotide variant.
Coding change: c.1281C>T on transcript NM_003190.5 (MANE Select); coding-DNA position 1281, C replaced by T.
Protein change: p.Phe427=; no amino-acid change (phenylalanine 427 retained).
Molecular consequence: synonymous variant.
Genome position (GRCh38, 1-based): chr6:33,304,147, G>A on the plus strand (C>T on the coding strand, the complement: TAPBP is on the minus strand). VCF-style: chr6-33304147-G-A. GRCh37 (hg19) VCF-style: chr6-33271924-G-A.
Other names: c.1281C>T, p.Phe427= (NM_001410875.1, NM_172208.3); c.1020C>T, p.Phe340= (NM_172209.3).
Identifiers: ClinVar variation 3648465 (VCV003648465.2).
Genomic context (GRCh38, chr6:33,304,147, plus strand): 5'-CACCAACCTCAGGTCATGGTCAGGGTAGGGCTGACACTTACCAGCCCAGCCCAGTGCCTT[G>A]AAGAGCCCAAGCAGAAGAAAGGCAGACAGGAAAAGGCCTACGCTGTCCTCAAGGGAGGGC-3'
Protein context (NP_003181.3, residues 417-437): FLSAFLLLGL[Phe427=]KALGWAAVYL

ClinVar aggregate classification (germline): Uncertain significance (1 of 4 stars; one submission).

Conditions:
MHC class I deficiency. Identifiers: Orphanet 34592, MedGen C6024714, MONDO:0011476.

Submission:

Labcorp Genetics (formerly Invitae), Labcorp
Classification: Uncertain significance for MHC class I deficiency 1. Last evaluated: 2024-04-15. Review status: criteria provided, single submitter. Criteria: Invitae Variant Classification Sherloc (09022015). Collection method: clinical testing. Allele origin: germline.
Comment: This sequence change affects codon 427 of the TAPBP mRNA. It is a 'silent' change, meaning that it does not change the encoded amino acid sequence of the TAPBP protein. This variant is not present in population databases (gnomAD no frequency). This variant has not been reported in the literature in individuals affected with TAPBP-related conditions. Algorithms developed to predict the effect of sequence changes on RNA splicing suggest that this variant may disrupt the consensus splice site. In summary, the available evidence is currently insufficient to determine the role of this variant in disease. Therefore, it has been classified as a Variant of Uncertain Significance.